The following is an entry in ClinVar:

NM_001252024.2(TRPM1):c.4400G>A (p.Gly1467Glu)

Gene: TRPM1 (transient receptor potential cation channel subfamily M member 1; minus strand). Cytogenetic location: 15q13.3.
Variant type: single nucleotide variant.
Coding change: c.4400G>A on transcript NM_001252024.2 (MANE Select); coding-DNA position 4400, G replaced by A.
Protein change: p.Gly1467Glu; replaces glycine 1467 with glutamic acid.
Molecular consequence: missense variant.
Genome position (GRCh38, 1-based): chr15:31,002,300, C>T on the plus strand (G>A on the coding strand, the complement: TRPM1 is on the minus strand). VCF-style: chr15-31002300-C-T. GRCh37 (hg19) VCF-style: chr15-31294503-C-T.
Other names: c.4451G>A, p.Gly1484Glu (NM_001252020.2); c.4334G>A, p.Gly1445Glu (NM_002420.6); short protein forms G1445E, G1467E, G1484E.
Identifiers: ClinVar variation 1000632 (VCV001000632.8), dbSNP rs1157809817, ClinGen allele CA391524591.

ClinVar aggregate classification (germline): Uncertain significance (1 of 4 stars; one submission).

Allele frequency attached by ClinVar (database versions not stated): TOPMed 0.00001.

Submission:

Labcorp Genetics (formerly Invitae), Labcorp
Classification: Uncertain significance. Last evaluated: 2020-04-06. Review status: criteria provided, single submitter. Criteria: Invitae Variant Classification Sherloc (09022015). Collection method: clinical testing. Allele origin: germline.
Comment: This variant is not present in population databases (ExAC no frequency). This sequence change replaces glycine with glutamic acid at codon 1445 of the TRPM1 protein (p.Gly1445Glu). The glycine residue is highly conserved and there is a moderate physicochemical difference between glycine and glutamic acid. This variant has not been reported in the literature in individuals with TRPM1-related conditions. Algorithms developed to predict the effect of missense changes on protein structure and function output the following: SIFT: "Tolerated"; PolyPhen-2: "Benign"; Align-GVGD: "Class C0". The glutamic acid amino acid residue is found in multiple mammalian species, suggesting that this missense change does not adversely affect protein function. These predictions have not been confirmed by published functional studies and their clinical significance is uncertain. In summary, the available evidence is currently insufficient to determine the role of this variant in disease. Therefore, it has been classified as a Variant of Uncertain Significance.